The following is an entry in ClinVar:

ClinVar aggregate classification (germline): Benign/Likely benign. Review status: criteria provided, multiple submitters, no conflicts (2 of 4 stars). 6 submissions from 6 submitters: Benign (1); Likely benign (4). 1 of the submissions does not count toward it. Last evaluated 2026-02-01.

Conditions:
ALPK3-related disorder. Also called: ALPK3-related condition.
Cardiovascular phenotype. Identifiers: MedGen CN230736.

Allele frequency attached by ClinVar (database versions not stated): gnomAD 0.00109 and 0.00117; gnomAD exomes 0.00010 and 0.00035; 1000 Genomes Project 0.00080; TOPMed 0.00126; 1000 Genomes Project 30x 0.00094; ESP Exome Variant Server 0.00131; ExAC 0.00053.

Submissions (6):

Labcorp Genetics (formerly Invitae), Labcorp
Classification: Benign. Last evaluated: 2026-02-01. Review status: criteria provided, single submitter. Criteria: Invitae Variant Classification Sherloc (09022015). Collection method: clinical testing. Allele origin: germline.

Blueprint Genetics
Classification: Likely benign. Last evaluated: 2024-06-26. Review status: criteria provided, single submitter. Criteria: ACMG Guidelines, 2015. Collection method: clinical testing. Allele origin: germline.

GeneDx
Classification: Likely benign. Last evaluated: 2021-07-20. Review status: criteria provided, single submitter. Criteria: GeneDx Variant Classification Process June 2021. Collection method: clinical testing. Allele origin: germline. Affected: yes.

Ambry Genetics
Classification: Likely benign for Cardiovascular phenotype. Last evaluated: 2019-07-01. Review status: criteria provided, single submitter. Criteria: Ambry Variant Classification Scheme 2023. Collection method: clinical testing. Allele origin: germline.

Breakthrough Genomics
Classification: Likely benign. Review status: criteria provided, single submitter. Criteria: ACMG Guidelines, 2015. Collection method: not provided. Allele origin: germline. Inheritance: Autosomal recessive inheritance. Affected: yes.

PreventionGenetics, part of Exact Sciences
Classification: Likely benign for ALPK3-related condition. Last evaluated: 2023-05-01. Review status: no assertion criteria provided. Collection method: clinical testing. Allele origin: germline. Not counted in ClinVar's aggregate classification.
Comment: This variant is classified as likely benign based on ACMG/AMP sequence variant interpretation guidelines (Richards et al. 2015 PMID: 25741868, with internal and published modifications).

NC_000015.10:g.84816855G>A

Gene: ALPK3 (alpha kinase 3; plus strand). Cytogenetic location: 15q25.3.
Variant type: single nucleotide variant.
Genome position: GRCh38 VCF-style: chr15-84816855-G-A. GRCh37 (hg19) VCF-style: chr15-85360086-G-A.
Identifiers: ClinVar variation 429934 (VCV000429934.16), dbSNP rs28408840, ClinGen allele CA7708768.